The following is an entry in ClinVar:

ClinVar aggregate classification (germline): Likely benign. Review status: criteria provided, multiple submitters, no conflicts (2 of 4 stars). 2 submissions from 2 submitters: Likely benign (2). Last evaluated 2026-02-01.

Conditions:
Cardiovascular phenotype. Identifiers: MedGen CN230736.

Submissions (2):

CeGaT Center for Human Genetics Tuebingen
Classification: Likely benign. Last evaluated: 2026-02-01. Review status: criteria provided, single submitter. Criteria: CeGaT Center For Human Genetics Tuebingen Variant Classification Criteria Version 2. Collection method: clinical testing. Allele origin: germline. Affected: yes. Observed: 1 variant allele.
Comment: TTN: PM2:Supporting, BP4, BP7

Ambry Genetics
Classification: Likely benign for Cardiovascular phenotype. Last evaluated: 2025-02-09. Review status: criteria provided, single submitter. Criteria: Ambry Variant Classification Scheme 2023. Collection method: clinical testing. Allele origin: germline.

NM_001267550.2(TTN):c.77415T>C (p.Ser25805=)

Genes: TTN (titin; minus strand), TTN-AS1 (TTN antisense RNA 1; plus strand). Cytogenetic location: 2q31.2.
Variant type: single nucleotide variant.
Coding change: c.77415T>C on transcript NM_001267550.2 (MANE Select); coding-DNA position 77415, T replaced by C.
Protein change: p.Ser25805=; no amino-acid change (serine 25805 retained).
Molecular consequence: synonymous variant.
Genome position (GRCh38, 1-based): chr2:178,568,717, A>G on the plus strand (T>C on the coding strand, the complement: TTN is on the minus strand). VCF-style: chr2-178568717-A-G. GRCh37 (hg19) VCF-style: chr2-179433444-A-G.
Other names: c.72492T>C, p.Ser24164= (NM_001256850.1); c.50220T>C, p.Ser16740= (NM_003319.4); c.69711T>C, p.Ser23237= (NM_133378.4); c.50595T>C, p.Ser16865= (NM_133432.3); c.50796T>C, p.Ser16932= (NM_133437.4).
Identifiers: ClinVar variation 3812275 (VCV003812275.5).